The following is an entry in ClinVar:

NM_030662.4(MAP2K2):c.1117G>A (p.Glu373Lys)

Gene: MAP2K2 (mitogen-activated protein kinase kinase 2; minus strand). Cytogenetic location: 19p13.3.
Variant type: single nucleotide variant.
Coding change: c.1117G>A on transcript NM_030662.4 (MANE Select); coding-DNA position 1117, G replaced by A.
Protein change: p.Glu373Lys; replaces glutamic acid 373 with lysine.
Molecular consequence: missense variant.
Genome position (GRCh38, 1-based): chr19:4,090,684, C>T on the plus strand (G>A on the coding strand, the complement: MAP2K2 is on the minus strand). VCF-style: chr19-4090684-C-T. GRCh37 (hg19) VCF-style: chr19-4090682-C-T.
Other names: short protein forms E373K.
Identifiers: ClinVar variation 1796590 (VCV001796590.7), dbSNP rs866048999, ClinGen allele CA403381100.

ClinVar aggregate classification (germline): Uncertain significance. Review status: criteria provided, multiple submitters, no conflicts (2 of 4 stars). 4 submissions from 4 submitters: Uncertain significance (4). Last evaluated 2025-06-09.

Conditions:
RASopathy. Also called: rasopathies; Noonan spectrum disorder. Identifiers: Orphanet 536391, MedGen C5555857, MONDO:0021060.
Cardiovascular phenotype. Identifiers: MedGen CN230736.

Allele frequency attached by ClinVar (database versions not stated): gnomAD exomes below 0.00001.
gnomAD v4.1: 1 of 1,558,996 alleles (0.000064%); highest among the groups gnomAD compares: Non-Finnish European, 0.000087%; no homozygotes.

Submissions (4):

GeneDx
Classification: Uncertain significance. Last evaluated: 2025-06-09. Review status: criteria provided, single submitter. Criteria: GeneDx Variant Classification Process June 2021. Collection method: clinical testing. Allele origin: germline. Affected: yes.
Comment: Not observed at significant frequency in large population cohorts (gnomAD); Missense variants in this gene are a common cause of disease and they are underrepresented in the general population; In silico analysis suggests that this missense variant does not alter protein structure/function; Has not been previously published as pathogenic or benign to our knowledge; This variant is associated with the following publications: (PMID: 29493581)

Women's Health and Genetics/Laboratory Corporation of America, LabCorp
Classification: Uncertain significance. Last evaluated: 2024-10-27. Review status: criteria provided, single submitter. Criteria: LabCorp Variant Classification Summary - May 2015. Collection method: clinical testing. Allele origin: germline.

Labcorp Genetics (formerly Invitae), Labcorp
Classification: Uncertain significance for RASopathy. Last evaluated: 2024-01-15. Review status: criteria provided, single submitter. Criteria: Invitae Variant Classification Sherloc (09022015). Collection method: clinical testing. Allele origin: germline.
Comment: This sequence change replaces glutamic acid, which is acidic and polar, with lysine, which is basic and polar, at codon 373 of the MAP2K2 protein (p.Glu373Lys). This variant is not present in population databases (gnomAD no frequency). This variant has not been reported in the literature in individuals affected with MAP2K2-related conditions. ClinVar contains an entry for this variant (Variation ID: 1796590). Advanced modeling of protein sequence and biophysical properties (such as structural, functional, and spatial information, amino acid conservation, physicochemical variation, residue mobility, and thermodynamic stability) performed at Invitae indicates that this missense variant is not expected to disrupt MAP2K2 protein function with a negative predictive value of 95%. In summary, the available evidence is currently insufficient to determine the role of this variant in disease. Therefore, it has been classified as a Variant of Uncertain Significance.

Ambry Genetics
Classification: Uncertain significance for Cardiovascular phenotype. Last evaluated: 2022-03-09. Review status: criteria provided, single submitter. Criteria: Ambry Variant Classification Scheme 2023. Collection method: clinical testing. Allele origin: germline.
Comment: The p.E373K variant (also known as c.1117G>A), located in coding exon 11 of the MAP2K2 gene, results from a G to A substitution at nucleotide position 1117. The glutamic acid at codon 373 is replaced by lysine, an amino acid with similar properties. This amino acid position is conserved. In addition, the in silico prediction for this alteration is inconclusive. Since supporting evidence is limited at this time, the clinical significance of this alteration remains unclear.